The following is an entry in ClinVar:

ClinVar aggregate classification (germline): Uncertain significance. Review status: criteria provided, multiple submitters, no conflicts (2 of 4 stars). 2 submissions from 2 submitters: Uncertain significance (2). Last evaluated 2025-03-26.

Conditions:
Inborn genetic diseases. Identifiers: MedGen C0950123, MeSH D030342.

gnomAD v4.1: 8 of 1,547,156 alleles (0.00052%); highest among the groups gnomAD compares: East Asian, 0.017%; 1 homozygote.

Submissions (2):

Ambry Genetics
Classification: Uncertain significance for Inborn genetic diseases. Last evaluated: 2025-03-26. Review status: criteria provided, single submitter. Criteria: Ambry Variant Classification Scheme 2023. Collection method: clinical testing. Allele origin: germline.

Labcorp Genetics (formerly Invitae), Labcorp
Classification: Uncertain significance. Last evaluated: 2024-08-29. Review status: criteria provided, single submitter. Criteria: Invitae Variant Classification Sherloc (09022015). Collection method: clinical testing. Allele origin: germline.
Comment: This sequence change replaces valine, which is neutral and non-polar, with leucine, which is neutral and non-polar, at codon 217 of the LEMD3 protein (p.Val217Leu). The frequency data for this variant in the population databases is considered unreliable, as metrics indicate poor data quality at this position in the gnomAD database. This variant has not been reported in the literature in individuals affected with LEMD3-related conditions. An algorithm developed to predict the effect of missense changes on protein structure and function (PolyPhen-2) suggests that this variant is likely to be tolerated. In summary, the available evidence is currently insufficient to determine the role of this variant in disease. Therefore, it has been classified as a Variant of Uncertain Significance.

NM_014319.5(LEMD3):c.649G>C (p.Val217Leu)

Gene: LEMD3 (LEM domain containing 3; plus strand). Cytogenetic location: 12q14.3.
Variant type: single nucleotide variant.
Coding change: c.649G>C on transcript NM_014319.5 (MANE Select); coding-DNA position 649, G replaced by C.
Protein change: p.Val217Leu; replaces valine 217 with leucine.
Molecular consequence: missense variant.
Genome position (GRCh38, 1-based): chr12:65,170,245, G>C. VCF-style: chr12-65170245-G-C. GRCh37 (hg19) VCF-style: chr12-65564025-G-C.
Other names: c.649G>C (NM_014319.4); c.649G>C, p.Val217Leu (NM_001167614.2); short protein forms V217L.
Identifiers: ClinVar variation 3665156 (VCV003665156.3).
Genomic context (GRCh38, chr12:65,170,245, plus strand): 5'-TGGGGGGCCAGGAGGCCGGCGGGCCCCGAGCTGCAGACCCCGCCGGGGAAAGATGGAGCA[G>C]TGGAGGACGAGGAAGGGGAGGGAGAGGACGGTGAGGAGAGGGACCCGGAGACCGAGGAGC-3'
Protein context (NP_055134.2, residues 207-227): LQTPPGKDGA[Val217Leu]EDEEGEGEDG